The following is an entry in ClinVar:

ClinVar aggregate classification (germline): Conflicting classifications of pathogenicity. Review status: criteria provided, conflicting classifications (1 of 4 stars). 3 submissions from 3 submitters: Uncertain significance (1); Benign (2). Last evaluated 2018-01-13.

Conditions:
Acrodermatitis continua suppurativa of Hallopeau (PSORS14). Also called: INTERLEUKIN 36 RECEPTOR ANTAGONIST DEFICIENCY; ACRODERMATITIS CONTINUA OF HALLOPEAU; Psoriasis 14, pustular. Identifiers: Orphanet 163931, MedGen C0392439, MONDO:0013626, OMIM 614204.
Generalized pustular psoriasis. Identifiers: Orphanet 247353, MedGen C0343055, MONDO:0100491.

Allele frequency attached by ClinVar (database versions not stated): TOPMed 0.65396; 1000 Genomes Project 30x 0.70081; 1000 Genomes Project 0.71506.

Submissions (3):

Illumina Laboratory Services, Illumina
Classification: Benign for Acrodermatitis continua suppurativa of Hallopeau. Last evaluated: 2018-01-13. Review status: criteria provided, single submitter. Criteria: ICSL Variant Classification Criteria 13 December 2019. Collection method: clinical testing. Allele origin: germline.
Comment: This variant was observed in the ICSL laboratory as part of a predisposition screen in an ostensibly healthy population. It had not been previously curated by ICSL or reported in the Human Gene Mutation Database (HGMD: prior to June 1st, 2018), and was therefore a candidate for classification through an automated scoring system. Utilizing variant allele frequency, disease prevalence and penetrance estimates, and inheritance mode, an automated score was calculated to assess if this variant is too frequent to cause the disease. Based on the score and internal cut-off values, a variant classified as benign is not then subjected to further curation. The score for this variant resulted in a classification of benign for this disease.

Breakthrough Genomics
Classification: Benign. Review status: criteria provided, single submitter. Criteria: ACMG Guidelines, 2015. Collection method: not provided. Allele origin: germline. Inheritance: Autosomal recessive inheritance. Affected: yes.

Clinical Genomics, Uppaluri K&H Personalized Medicine Clinic
Classification: Uncertain significance for Acrodermatitis continua suppurativa of Hallopeau. Review status: criteria provided, single submitter. Criteria: K &amp; H Uppaluri Personalized Medicine Clinic Variant Classification &amp; Assertion Criteria_Updated V.1. Collection method: clinical testing. Allele origin: germline. Inheritance: Autosomal recessive inheritance. Affected: yes. Observed: 1 heterozygote.
Comment: Patients with Generalized pustular Psoriasis, with certain mutations, respond very well to IL-1 antagonists like Anakinra, as IL36RN mutations upregulate IL-1. IL36RN gene encodes IL-36 receptor antagonist (IL-36Ra), which is required for subsequent activation of intracellular NF-κB and mitogen-activated protein kinase pathways. However, the role of rs3180234 is yet to be ascertained.

Literature cited by the submitters: PubMed 27220475 (cited by Clinical Genomics, Uppaluri K&H Personalized Medicine Clinic); PubMed 24656634 (cited by Clinical Genomics, Uppaluri K&H Personalized Medicine Clinic); PubMed 34903506 (cited by Clinical Genomics, Uppaluri K&H Personalized Medicine Clinic).

NM_012275.3(IL36RN):c.*401A>T

Gene: IL36RN (interleukin 36 receptor antagonist; plus strand). Cytogenetic location: 2q14.1.
Variant type: single nucleotide variant.
Coding change: c.*401A>T on transcript NM_012275.3 (MANE Select); 401 bases downstream of the stop codon, A replaced by T.
Molecular consequence: 3 prime UTR variant.
Genome position (GRCh38, 1-based): chr2:113,063,078, A>T. VCF-style: chr2-113063078-A-T. GRCh37 (hg19) VCF-style: chr2-113820655-A-T.
Other names: c.*401A>T (NM_173170.1).
Identifiers: ClinVar variation 330789 (VCV000330789.7), dbSNP rs3180234, ClinGen allele CA10611015.
Genomic context (GRCh38, chr2:113,063,078, plus strand): 5'-CCCCGCAGGCCAACCCATCCCCAGTTGAGCCTTATAGGGTCAGTAGCTCTCCACATGAAG[A>T]CCTGTCACTCACCACTATGCAGGAGAGGGAGGTGGTCATAGAGTCAGGGATCTATGGCCC-3'